The following is an entry in ClinVar:

NM_000038.6(APC):c.4558dup (p.Val1520fs)

Gene: APC (APC regulator of Wnt signaling pathway; plus strand). Cytogenetic location: 5q22.2.
Variant type: Duplication.
Coding change: c.4558dup on transcript NM_000038.6 (MANE Select); coding-DNA position 4558, one base duplicated (G; older notation c.4558dupG).
Protein change: p.Val1520fs; shifts the reading frame from valine 1520.
Molecular consequence: frameshift variant. On other transcripts: non-coding transcript variant (2).
Genome position (GRCh38, 1-based): chr5:112,840,152, G duplicated. VCF-style (leftmost placement, unchanged base first): chr5-112840151-T-TG. GRCh37 (hg19) VCF-style: chr5-112175848-T-TG.
Other names: c.4558dup, p.Val1520fs (NM_001127510.3, NM_001354895.2, NM_001407450.1); c.4504dup, p.Val1502fs (NM_001127511.3); c.4612dup, p.Val1538fs (NM_001354896.2, NM_001407447.1, NM_001407448.1 and 1 more transcripts); c.4588dup, p.Val1530fs (NM_001354897.2); c.4483dup, p.Val1495fs (NM_001354898.2); c.4474dup, p.Val1492fs (NM_001354899.2); c.4435dup, p.Val1479fs (NM_001354900.2); c.4381dup, p.Val1461fs (NM_001354901.2, NM_001407453.1); and 11 more; short protein forms V1136fs, V1237fs, V1360fs, V1391fs, V1394fs, V1419fs, V1429fs, V1437fs.
Identifiers: ClinVar variation 2583784 (VCV002583784.2), dbSNP rs2533582499, ClinGen allele CA2582341317.
Genomic context (GRCh38, chr5:112,840,151, plus strand): 5'-ATTTTCTTGTTCATCCAGCCTGAGTGCTCTGAGCCTCGATGAGCCATTTATACAGAAAGA[T>TG]GTGGAATTAAGAATAATGCCTCCAGTTCAGGAAAATGACAATGGGAATGAAACAGAATCA-3'

ClinVar aggregate classification (germline): Pathogenic (1 of 4 stars; one submission).

Conditions:
Familial adenomatous polyposis 1 (FAP1). Also called: FAMILIAL ADENOMATOUS POLYPOSIS 1, ATTENUATED; POLYPOSIS, ADENOMATOUS INTESTINAL. Identifiers: MedGen C2713442, MONDO:0021056, OMIM 175100. Disease mechanism: loss of function.

Submission:

Myriad Genetics, Inc.
Classification: Pathogenic for Familial adenomatous polyposis 1. Last evaluated: 2023-05-11. Review status: criteria provided, single submitter. Criteria: Myriad Autosomal Dominant, Autosomal Recessive and X-Linked Classification Criteria (2023). Collection method: clinical testing. Allele origin: unknown.
Comment: This variant is considered pathogenic. This variant creates a frameshift predicted to result in premature protein truncation.